The following is an entry in ClinVar:

NM_000289.6(PFKM):c.1385_1386insTCCTGCTATAG (p.Gln462fs)

Gene: PFKM (phosphofructokinase, muscle; plus strand). Cytogenetic location: 12q13.11.
Variant type: Insertion.
Coding change: c.1385_1386insTCCTGCTATAG on transcript NM_000289.6 (MANE Select); coding-DNA positions 1385 to 1386, TCCTGCTATAG inserted.
Protein change: p.Gln462fs; shifts the reading frame from glutamine 462.
Molecular consequence: frameshift variant. On other transcripts: non-coding transcript variant (6).
Genome position: GRCh38 VCF-style: chr12-48141354-A-ATCCTGCTATAG. GRCh37 (hg19) VCF-style: chr12-48535137-A-ATCCTGCTATAG.
Other names: c.1598_1599insTCCTGCTATAG, p.Gln533fs (NM_001166686.2, NM_001354737.1, NM_001354738.1 and 1 more transcripts); c.1385_1386insTCCTGCTATAG, p.Gln462fs (NM_001166687.2, NM_001166688.2, NM_001354742.2 and 2 more transcripts); c.1694_1695insTCCTGCTATAG, p.Gln565fs (NM_001354735.1, NM_001354736.1); c.1529_1530insTCCTGCTATAG, p.Gln510fs (NM_001354740.1); c.1409_1410insTCCTGCTATAG, p.Gln470fs (NM_001354741.2); c.1298_1299insTCCTGCTATAG, p.Gln433fs (NM_001354745.2); c.1259_1260insTCCTGCTATAG, p.Gln420fs (NM_001354746.2); c.1235_1236insTCCTGCTATAG, p.Gln412fs (NM_001354747.2, NM_001354748.2); and 1 more; short protein forms Q412fs, Q420fs, Q431fs, Q433fs, Q462fs, Q470fs, Q510fs, Q533fs.
Identifiers: ClinVar variation 1725867 (VCV001725867.2), dbSNP rs2498557327, ClinGen allele CA2580085556.

ClinVar aggregate classification (germline): Likely pathogenic (1 of 4 stars; one submission).

Conditions:
Glycogen storage disease, type VII (GSD7). Also called: PFKM DEFICIENCY; TARUI DISEASE; GSD VII; MUSCLE PHOSPHOFRUCTOKINASE DEFICIENCY. Identifiers: Orphanet 371, MedGen C0017926, MONDO:0009295, OMIM 232800.

Submission:

Myriad Genetics, Inc.
Classification: Likely pathogenic for Glycogen storage disease, type VII. Last evaluated: 2022-04-04. Review status: criteria provided, single submitter. Criteria: Myriad Women's Health Autosomal Recessive and X-Linked Classification Criteria (2021). Collection method: clinical testing. Allele origin: unknown.
Comment: NM_001166686.1(PFKM):c.1598_1599ins11(Q533Hfs*28) is expected to be pathogenic in the context of glycogen storage disease type VII. This variant is predicted to lead to an abnormal or absent protein product due to the creation of a premature termination codon in PFKM, a gene where loss-of-function variants are known to be pathogenic. Please note: this variant was assessed in the context of healthy population screening.